The following is an entry in ClinVar:

NM_152564.5(VPS13B):c.10884T>C (p.Ser3628=)

Gene: VPS13B (vacuolar protein sorting 13 homolog B; plus strand). Cytogenetic location: 8q22.2.
Variant type: single nucleotide variant.
Coding change: c.10884T>C on transcript NM_152564.5 (MANE Select); coding-DNA position 10884, T replaced by C.
Protein change: p.Ser3628=; no amino-acid change (serine 3628 retained).
Molecular consequence: synonymous variant.
Genome position (GRCh38, 1-based): chr8:99,859,320, T>C. VCF-style: chr8-99859320-T-C. GRCh37 (hg19) VCF-style: chr8-100871548-T-C.
Other names: c.10959T>C, p.Ser3653= (NM_017890.5).
Identifiers: ClinVar variation 3355751 (VCV003355751.1).
Genomic context (GRCh38, chr8:99,859,320, plus strand): 5'-TGCATTTGAGGTTTCAATCACCCCTTCCCTCTTGTGCGTTGCAGGCTGGGTAGTTGGGTC[T>C]CTGGATATTCTTGGCAGCCCTGCAAGCCTGGTGAGAAGCATCGGGAACGGGGTCGCCGAC-3'
Protein context (NP_689777.3, residues 3618-3638): ALFRAGWVVG[Ser3628=]LDILGSPASL

ClinVar aggregate classification (germline): Likely benign (0 of 4 stars; one submission).

Conditions:
VPS13B-related disorder. Also called: VPS13B-related condition.

gnomAD v4.1: 2 of 1,613,784 alleles (0.00012%); highest among the groups gnomAD compares: Non-Finnish European, 0.00017%; no homozygotes.

Submission:

PreventionGenetics, part of Exact Sciences
Classification: Likely benign for VPS13B-related condition. Last evaluated: 2022-07-29. Review status: no assertion criteria provided. Collection method: clinical testing. Allele origin: germline.
Comment: This variant is classified as likely benign based on ACMG/AMP sequence variant interpretation guidelines (Richards et al. 2015 PMID: 25741868, with internal and published modifications).